The following is an entry in ClinVar:

ClinVar aggregate classification (germline): Uncertain significance. Review status: criteria provided, multiple submitters, no conflicts (2 of 4 stars). 2 submissions from 2 submitters: Uncertain significance (2). Last evaluated 2024-11-10.

Conditions:
Ataxia-telangiectasia syndrome (AT). Also called: LOUIS-BAR SYNDROME; Cerebello-oculocutaneous telangiectasia; Immunodeficiency with ataxia telangiectasia; Ataxia-telangiectasia, complementation group D; AT, COMPLEMENTATION GROUP C; Ataxia-telangiectasia, complementation group E. Identifiers: Orphanet 100, MedGen C0004135, MONDO:0008840, OMIM 208900.
Familial cancer of breast. Also called: Hereditary breast cancer; BREAST CANCER, FAMILIAL; hereditary breast carcinoma. Identifiers: Orphanet 227535, MedGen C0346153, MONDO:0016419, OMIM 114480. Disease mechanism: loss of function.

Submissions (2):

Labcorp Genetics (formerly Invitae), Labcorp
Classification: Uncertain significance for Ataxia-telangiectasia syndrome. Last evaluated: 2024-11-10. Review status: criteria provided, single submitter. Criteria: Invitae Variant Classification Sherloc (09022015). Collection method: clinical testing. Allele origin: germline.
Comment: This sequence change replaces alanine, which is neutral and non-polar, with valine, which is neutral and non-polar, at codon 2843 of the ATM protein (p.Ala2843Val). This variant is not present in population databases (gnomAD no frequency). This variant has not been reported in the literature in individuals affected with ATM-related conditions. ClinVar contains an entry for this variant (Variation ID: 407620). Invitae Evidence Modeling of protein sequence and biophysical properties (such as structural, functional, and spatial information, amino acid conservation, physicochemical variation, residue mobility, and thermodynamic stability) has been performed for this missense variant. However, the output from this modeling did not meet the statistical confidence thresholds required to predict the impact of this variant on ATM protein function. In summary, the available evidence is currently insufficient to determine the role of this variant in disease. Therefore, it has been classified as a Variant of Uncertain Significance.

Baylor Genetics
Classification: Uncertain significance for Familial cancer of breast. Last evaluated: 2024-01-09. Review status: criteria provided, single submitter. Criteria: ACMG Guidelines, 2015. Collection method: clinical testing. Allele origin: unknown.

NM_000051.4(ATM):c.8528C>T (p.Ala2843Val)

Genes: ATM (ATM serine/threonine kinase; plus strand), C11orf65 (chromosome 11 open reading frame 65; minus strand). Cytogenetic location: 11q22.3.
Variant type: single nucleotide variant.
Coding change: c.8528C>T on transcript NM_000051.4 (MANE Select); coding-DNA position 8528, C replaced by T.
Protein change: p.Ala2843Val; replaces alanine 2843 with valine.
Molecular consequence: missense variant. On other transcripts: intron variant (2).
Genome position (GRCh38, 1-based): chr11:108,345,852, C>T. VCF-style: chr11-108345852-C-T. GRCh37 (hg19) VCF-style: chr11-108216579-C-T.
Other names: c.8528C>T, p.Ala2843Val (NM_001351834.2); c.641-36781G>A (NM_001330368.2); c.695-10560G>A (NM_001351110.2); short protein forms A2843V.
Identifiers: ClinVar variation 407620 (VCV000407620.9), dbSNP rs1060501637, ClinGen allele CA16613512.